The following is an entry in ClinVar:

ClinVar aggregate classification (germline): Uncertain significance. Review status: criteria provided, multiple submitters, no conflicts (2 of 4 stars). 3 submissions from 3 submitters: Uncertain significance (2). 1 of the submissions does not count toward it. Last evaluated 2024-04-10.

Conditions:
3-methylcrotonyl-CoA carboxylase 2 deficiency. Also called: METHYLCROTONYLGLYCINURIA, TYPE II; 3 alpha methylcrotonyl-CoA carboxylase 2 deficiency; 3 alpha methylcrotonylglycinuria 2; MCC 2 deficiency; Methylcrotonylglycinuria type 2. Identifiers: Orphanet 6, MedGen C1859499, MONDO:0008862, OMIM 210210.

Allele frequency attached by ClinVar (database versions not stated): gnomAD exomes below 0.00001 and 0.00001; ExAC 0.00001.

Submissions (3):

Labcorp Genetics (formerly Invitae), Labcorp
Classification: Uncertain significance for 3-methylcrotonyl-CoA carboxylase 2 deficiency. Last evaluated: 2024-04-10. Review status: criteria provided, single submitter. Criteria: Invitae Variant Classification Sherloc (09022015). Collection method: clinical testing. Allele origin: germline.
Comment: This sequence change replaces alanine, which is neutral and non-polar, with threonine, which is neutral and polar, at codon 547 of the MCCC2 protein (p.Ala547Thr). This variant is present in population databases (rs758806872, gnomAD 0.003%). This variant has not been reported in the literature in individuals affected with MCCC2-related conditions. ClinVar contains an entry for this variant (Variation ID: 952115). Advanced modeling of protein sequence and biophysical properties (such as structural, functional, and spatial information, amino acid conservation, physicochemical variation, residue mobility, and thermodynamic stability) performed at Invitae indicates that this missense variant is not expected to disrupt MCCC2 protein function with a negative predictive value of 80%. In summary, the available evidence is currently insufficient to determine the role of this variant in disease. Therefore, it has been classified as a Variant of Uncertain Significance.

Women's Health and Genetics/Laboratory Corporation of America, LabCorp
Classification: Uncertain significance. Last evaluated: 2024-03-27. Review status: criteria provided, single submitter. Criteria: LabCorp Variant Classification Summary - May 2015. Collection method: clinical testing. Allele origin: germline.

Natera, Inc.
Classification: Uncertain significance for 3-methylcrotonyl-CoA carboxylase 2 deficiency. Last evaluated: 2020-03-04. Review status: no assertion criteria provided. Collection method: clinical testing. Allele origin: germline. Not counted in ClinVar's aggregate classification.

NM_022132.5(MCCC2):c.1639G>A (p.Ala547Thr)

Gene: MCCC2 (methylcrotonyl-CoA carboxylase subunit 2; plus strand). Cytogenetic location: 5q13.2.
Variant type: single nucleotide variant.
Coding change: c.1639G>A on transcript NM_022132.5 (MANE Select); coding-DNA position 1639, G replaced by A.
Protein change: p.Ala547Thr; replaces alanine 547 with threonine.
Molecular consequence: missense variant.
Genome position (GRCh38, 1-based): chr5:71,656,807, G>A. VCF-style: chr5-71656807-G-A. GRCh37 (hg19) VCF-style: chr5-70952634-G-A.
Other names: c.1525G>A, p.Ala509Thr (NM_001363147.1); short protein forms A509T, A547T.
Identifiers: ClinVar variation 952115 (VCV000952115.14), dbSNP rs758806872, ClinGen allele CA3298223.